The following is an entry in ClinVar:

NM_001377299.1(NDUFS2):c.393+5G>C

Gene: NDUFS2 (NADH:ubiquinone oxidoreductase core subunit S2; plus strand). Cytogenetic location: 1q23.3.
Variant type: single nucleotide variant.
Coding change: c.393+5G>C on transcript NM_001377299.1 (MANE Select); 5 bases into the intron after coding-DNA position 393, G replaced by C.
Molecular consequence: intron variant.
Genome position (GRCh38, 1-based): chr1:161,206,602, G>C. VCF-style: chr1-161206602-G-C. GRCh37 (hg19) VCF-style: chr1-161176392-G-C.
Other names: c.393+5G>C (NM_001377300.1, NM_001377298.1, NM_001377301.1 and 3 more transcripts).
Identifiers: ClinVar variation 1910056 (VCV001910056.4), dbSNP rs375651203, ClinGen allele CA527135115.

ClinVar aggregate classification (germline): Uncertain significance (1 of 4 stars; one submission).

gnomAD v4.1: 13 of 1,612,518 alleles (0.00081%); highest among the groups gnomAD compares: African/African-American, 0.0027%; no homozygotes.

Submission:

Labcorp Genetics (formerly Invitae), Labcorp
Classification: Uncertain significance. Last evaluated: 2022-11-15. Review status: criteria provided, single submitter. Criteria: Invitae Variant Classification Sherloc (09022015). Collection method: clinical testing. Allele origin: germline.
Comment: This variant has not been reported in the literature in individuals affected with NDUFS2-related conditions. In summary, the available evidence is currently insufficient to determine the role of this variant in disease. Therefore, it has been classified as a Variant of Uncertain Significance. Variants that disrupt the consensus splice site are a relatively common cause of aberrant splicing (PMID: 17576681, 9536098). Algorithms developed to predict the effect of sequence changes on RNA splicing suggest that this variant may create or strengthen a splice site. This variant is present in population databases (no rsID available, gnomAD 0.007%). This sequence change falls in intron 4 of the NDUFS2 gene. It does not directly change the encoded amino acid sequence of the NDUFS2 protein. It affects a nucleotide within the consensus splice site.

Literature cited by the submitters: PubMed 17576681; PubMed 9536098.